The following is an entry in ClinVar:

NM_182943.3(PLOD2):c.364C>G (p.Pro122Ala)

Genes: PLOD2 (procollagen-lysine,2-oxoglutarate 5-dioxygenase 2; minus strand), LOC129389144 (MPRA-validated peak4856 silencer; plus strand). Cytogenetic location: 3q24.
Variant type: single nucleotide variant.
Coding change: c.364C>G on transcript NM_182943.3 (MANE Select); coding-DNA position 364, C replaced by G.
Protein change: p.Pro122Ala; replaces proline 122 with alanine.
Molecular consequence: missense variant.
Genome position (GRCh38, 1-based): chr3:146,110,423, G>C on the plus strand (C>G on the coding strand, the complement: PLOD2 is on the minus strand). VCF-style: chr3-146110423-G-C. GRCh37 (hg19) VCF-style: chr3-145828210-G-C.
Other names: c.364C>G, p.Pro122Ala (NM_000935.3); short protein forms P122A.
Identifiers: ClinVar variation 2125270 (VCV002125270.4), dbSNP rs766067972, ClinGen allele CA84537239.

ClinVar aggregate classification (germline): Uncertain significance (1 of 4 stars; one submission).

Submission:

Labcorp Genetics (formerly Invitae), Labcorp
Classification: Uncertain significance. Last evaluated: 2022-04-12. Review status: criteria provided, single submitter. Criteria: Invitae Variant Classification Sherloc (09022015). Collection method: clinical testing. Allele origin: germline.
Comment: This sequence change replaces proline, which is neutral and non-polar, with alanine, which is neutral and non-polar, at codon 122 of the PLOD2 protein (p.Pro122Ala). This variant is present in population databases (no rsID available, gnomAD 0.007%). This variant has not been reported in the literature in individuals affected with PLOD2-related conditions. Algorithms developed to predict the effect of missense changes on protein structure and function are either unavailable or do not agree on the potential impact of this missense change (SIFT: "Tolerated"; PolyPhen-2: "Possibly Damaging"; Align-GVGD: "Class C0"). In summary, the available evidence is currently insufficient to determine the role of this variant in disease. Therefore, it has been classified as a Variant of Uncertain Significance.